The following is an entry in ClinVar:

ClinVar aggregate classification (germline): Uncertain significance (1 of 4 stars; one submission).

Conditions:
Hereditary sensory neuropathy-deafness-dementia syndrome. Also called: Hereditary Sensory and Autonomic Neuropathy Type 1E (HSAN1E); NEUROPATHY, HEREDITARY SENSORY, WITH HEARING LOSS AND DEMENTIA; HSN IE; Hereditary sensory neuropathy type IE. Identifiers: Orphanet 456318, MedGen C3279885, MONDO:0013584, OMIM 614116.

Allele frequency attached by ClinVar (database versions not stated): gnomAD exomes below 0.00001; TOPMed below 0.00001; ExAC 0.00001; gnomAD 0.00001.

Submission:

Labcorp Genetics (formerly Invitae), Labcorp
Classification: Uncertain significance for Hereditary sensory neuropathy-deafness-dementia syndrome. Last evaluated: 2023-10-23. Review status: criteria provided, single submitter. Criteria: Invitae Variant Classification Sherloc (09022015). Collection method: clinical testing. Allele origin: germline.
Comment: This sequence change replaces alanine, which is neutral and non-polar, with serine, which is neutral and polar, at codon 147 of the DNMT1 protein (p.Ala147Ser). This variant is present in population databases (rs754359114, gnomAD 0.003%). This variant has not been reported in the literature in individuals affected with DNMT1-related conditions. Algorithms developed to predict the effect of missense changes on protein structure and function output the following: SIFT: "Not Available"; PolyPhen-2: "Benign"; Align-GVGD: "Not Available". The serine amino acid residue is found in multiple mammalian species, which suggests that this missense change does not adversely affect protein function. In summary, the available evidence is currently insufficient to determine the role of this variant in disease. Therefore, it has been classified as a Variant of Uncertain Significance.

NM_001130823.3(DNMT1):c.439G>T (p.Ala147Ser)

Gene: DNMT1 (DNA methyltransferase 1; minus strand). Cytogenetic location: 19p13.2.
Variant type: single nucleotide variant.
Coding change: c.439G>T on transcript NM_001130823.3 (MANE Select); coding-DNA position 439, G replaced by T.
Protein change: p.Ala147Ser; replaces alanine 147 with serine.
Molecular consequence: missense variant.
Genome position (GRCh38, 1-based): chr19:10,180,356, C>A on the plus strand (G>T on the coding strand, the complement: DNMT1 is on the minus strand). VCF-style: chr19-10180356-C-A. GRCh37 (hg19) VCF-style: chr19-10291032-C-A.
Other names: c.439G>T, p.Ala147Ser (NM_001318730.2, NM_001379.4); c.76G>T, p.Ala26Ser (NM_001318731.2); short protein forms A147S, A26S.
Identifiers: ClinVar variation 2878107 (VCV002878107.3), dbSNP rs754359114, ClinGen allele CA9188754.